The following is an entry in ClinVar:

ClinVar aggregate classification (germline): Conflicting classifications of pathogenicity. Review status: criteria provided, conflicting classifications (1 of 4 stars). 6 submissions from 6 submitters: Uncertain significance (1); Likely benign (4). 1 of the submissions does not count toward it. Last evaluated 2026-01-26.

Conditions:
Cardiovascular phenotype. Identifiers: MedGen CN230736.
AKAP9-related disorder. Also called: AKAP9-related condition.
Long QT syndrome (LQTS). Identifiers: MedGen C0023976, MeSH D008133, MONDO:0002442. Disease mechanism: loss of function. Inheritance: Various modes of inheritance.

Allele frequency attached by ClinVar (database versions not stated): gnomAD exomes 0.00004 and 0.00012; ExAC 0.00017; ESP Exome Variant Server 0.00023; gnomAD 0.00039 and 0.00044; TOPMed 0.00047; 1000 Genomes Project 0.00060; 1000 Genomes Project 30x 0.00062.
gnomAD v4.1: 126 of 1,613,906 alleles (0.0078%); highest among the groups gnomAD compares: African/African-American, 0.14%; no homozygotes.

Submissions (6):

Labcorp Genetics (formerly Invitae), Labcorp
Classification: Uncertain significance for Long QT syndrome. Last evaluated: 2026-01-26. Review status: criteria provided, single submitter. Criteria: Invitae Variant Classification Sherloc (09022015). Collection method: clinical testing. Allele origin: germline.
Comment: This sequence change replaces alanine, which is neutral and non-polar, with valine, which is neutral and non-polar, at codon 1662 of the AKAP9 protein (p.Ala1662Val). This variant is present in population databases (rs149244653, gnomAD 0.2%), and has an allele count higher than expected for a pathogenic variant. This variant has not been reported in the literature in individuals affected with AKAP9-related conditions. ClinVar contains an entry for this variant (Variation ID: 190486). An algorithm developed to predict the effect of missense changes on protein structure and function (PolyPhen-2) suggests that this variant is likely to be disruptive. In summary, the available evidence is currently insufficient to determine the role of this variant in disease. Therefore, it has been classified as a Variant of Uncertain Significance.

Blueprint Genetics
Classification: Likely benign. Last evaluated: 2024-02-20. Review status: criteria provided, single submitter. Criteria: ACMG Guidelines, 2015. Collection method: clinical testing. Allele origin: germline.

Women's Health and Genetics/Laboratory Corporation of America, LabCorp
Classification: Likely benign. Last evaluated: 2021-05-10. Review status: criteria provided, single submitter. Criteria: LabCorp Variant Classification Summary - May 2015. Collection method: clinical testing. Allele origin: germline.
Comment: Variant summary: AKAP9 c.4985C>T (p.Ala1662Val) results in a non-conservative amino acid change in the encoded protein sequence. Four of five in-silico tools predict a damaging effect of the variant on protein function. The variant allele was found at a frequency of 0.00012 in 251316 control chromosomes. The observed variant frequency is approximately 37 fold of the estimated maximal expected allele frequency for a pathogenic variant in AKAP9 causing Long QT Syndrome phenotype (3.3e-06), strongly suggesting that the variant is benign. To our knowledge, no occurrence of c.4985C>T in individuals affected with Long QT Syndrome and no experimental evidence demonstrating its impact on protein function have been reported. One clinical diagnostic laboratory has submitted clinical-significance assessments for this variant to ClinVar after 2014 without evidence for independent evaluation and classified the variant as uncertain significance. Based on the evidence outlined above, the variant was classified as likely benign.

Ambry Genetics
Classification: Likely benign for Cardiovascular phenotype. Last evaluated: 2020-03-23. Review status: criteria provided, single submitter. Criteria: Ambry Variant Classification Scheme 2023. Collection method: clinical testing. Allele origin: germline.

GeneDx
Classification: Likely benign. Last evaluated: 2017-11-29. Review status: criteria provided, single submitter. Criteria: GeneDx Variant Classification Process June 2021. Collection method: clinical testing. Allele origin: germline. Affected: yes.

PreventionGenetics, part of Exact Sciences
Classification: Likely benign for AKAP9-related condition. Last evaluated: 2022-05-13. Review status: no assertion criteria provided. Collection method: clinical testing. Allele origin: germline. Not counted in ClinVar's aggregate classification.
Comment: This variant is classified as likely benign based on ACMG/AMP sequence variant interpretation guidelines (Richards et al. 2015 PMID: 25741868, with internal and published modifications).

NM_005751.5(AKAP9):c.4985C>T (p.Ala1662Val)

Genes: AKAP9 (A-kinase anchoring protein 9; plus strand), LOC121175350 (Sharpr-MPRA regulatory region 2641; plus strand). Cytogenetic location: 7q21.2.
Variant type: single nucleotide variant.
Coding change: c.4985C>T on transcript NM_005751.5 (MANE Select); coding-DNA position 4985, C replaced by T.
Protein change: p.Ala1662Val; replaces alanine 1662 with valine.
Molecular consequence: missense variant.
Genome position (GRCh38, 1-based): chr7:92,042,113, C>T. VCF-style: chr7-92042113-C-T. GRCh37 (hg19) VCF-style: chr7-91671427-C-T.
Other names: p.A1662V:GCA>GTA; c.4985C>T, p.Ala1662Val (NM_147185.3); short protein forms A1662V.
Identifiers: ClinVar variation 190486 (VCV000190486.14), dbSNP rs149244653, ClinGen allele CA300611.
Genomic context (GRCh38, chr7:92,042,113, plus strand): 5'-CCATAGATAATGAAAACCTGGTTTCAGAGAGAGAGAGGGTGCTTTTAGAGGAGCTGGAAG[C>T]ACTAAAGCAGCTGTCTTTAGCTGGAAGAGAGAAGCTGTGTTGTGAGCTGCGCAACAGCAG-3'
Protein context (NP_005742.4, residues 1652-1672): RERVLLEELE[Ala1662Val]LKQLSLAGRE